The following is an entry in ClinVar:

NM_022367.4(SEMA4A):c.1124G>A (p.Arg375Gln)

Gene: SEMA4A (semaphorin 4A; plus strand). Cytogenetic location: 1q22.
Variant type: single nucleotide variant.
Coding change: c.1124G>A on transcript NM_022367.4 (MANE Select); coding-DNA position 1124, G replaced by A.
Protein change: p.Arg375Gln; replaces arginine 375 with glutamine.
Molecular consequence: missense variant.
Genome position (GRCh38, 1-based): chr1:156,163,084, G>A. VCF-style: chr1-156163084-G-A. GRCh37 (hg19) VCF-style: chr1-156132875-G-A.
Other names: c.1124G>A, p.Arg375Gln (NM_001193300.2, NM_001193301.2, NM_001370567.1); c.728G>A, p.Arg243Gln (NM_001193302.2); c.827G>A, p.Arg276Gln (NM_001370568.1); c.617G>A, p.Arg206Gln (NM_001370569.1, NM_001370571.1); short protein forms R206Q, R243Q, R276Q, R375Q.
Identifiers: ClinVar variation 998426 (VCV000998426.8), dbSNP rs370546700, ClinGen allele CA1155272.

ClinVar aggregate classification (germline): Uncertain significance. Review status: criteria provided, multiple submitters, no conflicts (2 of 4 stars). 2 submissions from 2 submitters: Uncertain significance (2). Last evaluated 2024-11-11.

Allele frequency attached by ClinVar (database versions not stated): 1000 Genomes Project 0.00020; ExAC 0.00002; gnomAD exomes 0.00004; ESP Exome Variant Server 0.00008; TOPMed 0.00008; gnomAD 0.00009; 1000 Genomes Project 30x 0.00016.
gnomAD v4.1: 38 of 1,613,948 alleles (0.0024%); highest among the groups gnomAD compares: Admixed American, 0.032%; no homozygotes.

Submissions (2):

Labcorp Genetics (formerly Invitae), Labcorp
Classification: Uncertain significance. Last evaluated: 2024-11-11. Review status: criteria provided, single submitter. Criteria: Invitae Variant Classification Sherloc (09022015). Collection method: clinical testing. Allele origin: germline.
Comment: This sequence change replaces arginine, which is basic and polar, with glutamine, which is neutral and polar, at codon 375 of the SEMA4A protein (p.Arg375Gln). This variant is present in population databases (rs370546700, gnomAD 0.02%). This variant has not been reported in the literature in individuals affected with SEMA4A-related conditions. ClinVar contains an entry for this variant (Variation ID: 998426). Invitae Evidence Modeling of protein sequence and biophysical properties (such as structural, functional, and spatial information, amino acid conservation, physicochemical variation, residue mobility, and thermodynamic stability) indicates that this missense variant is not expected to disrupt SEMA4A protein function with a negative predictive value of 80%. In summary, the available evidence is currently insufficient to determine the role of this variant in disease. Therefore, it has been classified as a Variant of Uncertain Significance.

Blueprint Genetics
Classification: Uncertain significance. Last evaluated: 2023-03-13. Review status: criteria provided, single submitter. Criteria: ACMG Guidelines, 2015. Collection method: clinical testing. Allele origin: germline.